The following is an entry in ClinVar:

ClinVar aggregate classification (germline): Uncertain significance (1 of 4 stars; one submission).

Conditions:
Periodic fever-infantile enterocolitis-autoinflammatory syndrome. Also called: Autoinflammation with infantile enterocolitis. Identifiers: Orphanet 436166, MedGen C4015067, MONDO:0014472, OMIM 616050.
Familial cold autoinflammatory syndrome 4 (FCAS4). Identifiers: Orphanet 47045, Orphanet 576349, MedGen C4015276, MONDO:0014498, OMIM 616115.

Submission:

Labcorp Genetics (formerly Invitae), Labcorp
Classification: Uncertain significance for Periodic fever-infantile enterocolitis-autoinflammatory syndrome; Familial cold autoinflammatory syndrome 4. Last evaluated: 2025-05-22. Review status: criteria provided, single submitter. Criteria: Invitae Variant Classification Sherloc (09022015). Collection method: clinical testing. Allele origin: germline.
Comment: This sequence change replaces lysine, which is basic and polar, with glutamic acid, which is acidic and polar, at codon 626 of the NLRC4 protein (p.Lys626Glu). This variant is not present in population databases (gnomAD no frequency). This variant has not been reported in the literature in individuals affected with NLRC4-related conditions. Invitae Evidence Modeling of protein sequence and biophysical properties (such as structural, functional, and spatial information, amino acid conservation, physicochemical variation, residue mobility, and thermodynamic stability) indicates that this missense variant is not expected to disrupt NLRC4 protein function with a negative predictive value of 80%. In summary, the available evidence is currently insufficient to determine the role of this variant in disease. Therefore, it has been classified as a Variant of Uncertain Significance.

NM_001199138.2(NLRC4):c.1876A>G (p.Lys626Glu)

Gene: NLRC4 (NLR family CARD domain containing 4; minus strand). Cytogenetic location: 2p22.3.
Variant type: single nucleotide variant.
Coding change: c.1876A>G on transcript NM_001199138.2 (MANE Select); coding-DNA position 1876, A replaced by G.
Protein change: p.Lys626Glu; replaces lysine 626 with glutamic acid.
Molecular consequence: missense variant. On other transcripts: intron variant (1).
Genome position (GRCh38, 1-based): chr2:32,249,988, T>C on the plus strand (A>G on the coding strand, the complement: NLRC4 is on the minus strand). VCF-style: chr2-32249988-T-C. GRCh37 (hg19) VCF-style: chr2-32475057-T-C.
Other names: c.1876A>G, p.Lys626Glu (NM_001199139.2, NM_021209.5); c.262+2431A>G (NM_001302504.1); short protein forms K626E.
Identifiers: ClinVar variation 4782776 (VCV004782776.1).
Genomic context (GRCh38, chr2:32,249,988, plus strand): 5'-TGGGAATGTAGGTTTCTGGGGCCTCTTCCATGTGGATTCCACCTGTGTCTTCTGCAGCCT[T>C]TTCCCATGAAGCCATAGCTCCCCCATAAAAGTCCAGTTTAATGAAGTCCAGGGCACTTGC-3'
Protein context (NP_001186067.1, residues 616-636): FYGGAMASWE[Lys626Glu]AAEDTGGIHM